The following is an entry in ClinVar:

ClinVar aggregate classification (germline): Benign (1 of 4 stars; one submission).

Allele frequency attached by ClinVar (database versions not stated): 1000 Genomes Project 30x 0.06340; 1000 Genomes Project 0.06530; ESP Exome Variant Server 0.06815; TOPMed 0.07474; gnomAD 0.07796 and 0.07806; ExAC 0.09098; gnomAD exomes 0.09126.
gnomAD v4.1: 150,258 of 1,596,410 alleles (9.4%); highest among the groups gnomAD compares: Admixed American, 13%; 7,562 homozygotes.

Submission:

GeneDx
Classification: Benign. Last evaluated: 2019-04-20. Review status: criteria provided, single submitter. Criteria: GeneDx Variant Classification Process June 2021. Collection method: clinical testing. Allele origin: germline. Affected: yes.
Comment: This variant is associated with the following publications: (PMID: 30679340)

NM_018303.6(EXOC2):c.-43-18694C>A

Genes: EXOC2 (exocyst complex component 2; minus strand), HUS1B (HUS1 checkpoint clamp component B; minus strand). Cytogenetic location: 6p25.3.
Variant type: single nucleotide variant.
Coding change: c.-43-18694C>A on transcript NM_018303.6 (MANE Select); 18694 bases into the intron before 43 bases upstream of the start codon, C replaced by A.
Molecular consequence: intron variant. On other transcripts: missense variant (1).
Genome position (GRCh38, 1-based): chr6:656,555, G>T on the plus strand (C>A on the coding strand, the complement: EXOC2 is on the minus strand). VCF-style: chr6-656555-G-T. GRCh37 (hg19) VCF-style: chr6-656555-G-T.
Other names: c.390C>A, p.His130Gln (NM_148959.4); short protein forms H130Q.
Identifiers: ClinVar variation 1178804 (VCV001178804.3), dbSNP rs1766848, ClinGen allele CA3614105.